The following is an entry in ClinVar:

NM_001283009.2(RTEL1):c.718A>G (p.Ile240Val)

Genes: RTEL1 (regulator of telomere elongation helicase 1; plus strand), RTEL1-TNFRSF6B (RTEL1-TNFRSF6B readthrough (NMD candidate); plus strand). Cytogenetic location: 20q13.33.
Variant type: single nucleotide variant.
Coding change: c.718A>G on transcript NM_001283009.2 (MANE Select); coding-DNA position 718, A replaced by G.
Protein change: p.Ile240Val; replaces isoleucine 240 with valine.
Molecular consequence: missense variant. On other transcripts: non-coding transcript variant (1).
Genome position (GRCh38, 1-based): chr20:63,672,574, A>G. VCF-style: chr20-63672574-A-G. GRCh37 (hg19) VCF-style: chr20-62303927-A-G.
Other names: p.Ile264Val; c.49A>G, p.Ile17Val (NM_001283010.1); c.718A>G, p.Ile240Val (NM_016434.4); c.790A>G, p.Ile264Val (NM_032957.5); c.790A>G (NM_032957.4); short protein forms I17V, I240V, I264V.
Identifiers: ClinVar variation 967672 (VCV000967672.14), dbSNP rs141578937, ClinGen allele CA9964420.
Genomic context (GRCh38, chr20:63,672,574, plus strand): 5'-TCTGTGAGCTCCAGCGCTGCGTCCCTTCTCTTCCTCCTGTAGAGCCGCAGAGCACACAAC[A>G]TTGACCTGAAGGGGACAGTCGTGATCTTTGACGAAGCTCACAACGTGGTGAGTCTCCGCT-3'
Protein context (NP_001269938.1, residues 230-250): LDAKSRRAHN[Ile240Val]DLKGTVVIFD

ClinVar aggregate classification (germline): Uncertain significance. Review status: criteria provided, multiple submitters, no conflicts (2 of 4 stars). 9 submissions from 9 submitters: Uncertain significance (8). 1 of the submissions does not count toward it. Last evaluated 2025-09-14.

Conditions:
Inborn genetic diseases. Identifiers: MedGen C0950123, MeSH D030342.
Dyskeratosis congenita. Identifiers: Orphanet 1775, MedGen C0265965, MONDO:0015780.
Dyskeratosis congenita, autosomal recessive 5 (DKCB5). Identifiers: MedGen C3554656, MONDO:0014076, OMIM 615190.
Pulmonary fibrosis and/or bone marrow failure, Telomere-related, 3. Also called: PULMONARY FIBROSIS AND/OR BONE MARROW FAILURE SYNDROME, TELOMERE-RELATED, 3. Identifiers: Orphanet 2032, MedGen C4225346, MONDO:0014613, OMIM 616373.

Allele frequency attached by ClinVar (database versions not stated): ExAC 0.00047; gnomAD 0.00009 and 0.00010; TOPMed 0.00009; gnomAD exomes 0.00013; ESP Exome Variant Server 0.00023.
gnomAD v4.1: 210 of 1,585,002 alleles (0.013%); highest among the groups gnomAD compares: Non-Finnish European, 0.013%; no homozygotes.

Submissions (9):

Labcorp Genetics (formerly Invitae), Labcorp
Classification: Uncertain significance for Dyskeratosis congenita, autosomal recessive 5; Pulmonary fibrosis and/or bone marrow failure, Telomere-related, 3. Last evaluated: 2025-09-14. Review status: criteria provided, single submitter. Criteria: Invitae Variant Classification Sherloc (09022015). Collection method: clinical testing. Allele origin: germline.
Comment: This sequence change replaces isoleucine, which is neutral and non-polar, with valine, which is neutral and non-polar, at codon 240 of the RTEL1 protein (p.Ile240Val). This variant is present in population databases (rs141578937, gnomAD 0.02%). This variant has not been reported in the literature in individuals affected with RTEL1-related conditions. This variant is also known as c.790A>G (p.Ile264Val). ClinVar contains an entry for this variant (Variation ID: 967672). An algorithm developed to predict the effect of missense changes on protein structure and function (PolyPhen-2) suggests that this variant is likely to be tolerated. In summary, the available evidence is currently insufficient to determine the role of this variant in disease. Therefore, it has been classified as a Variant of Uncertain Significance.

Mayo Clinic Laboratories, Mayo Clinic
Classification: Uncertain significance. Last evaluated: 2025-06-06. Review status: criteria provided, single submitter. Criteria: ACMG Guidelines, 2015. Collection method: clinical testing. Allele origin: germline. Observed: 1 variant allele.
Comment: BP4

Ambry Genetics
Classification: Uncertain significance for Inborn genetic diseases. Last evaluated: 2025-03-09. Review status: criteria provided, single submitter. Criteria: Ambry Variant Classification Scheme 2023. Collection method: clinical testing. Allele origin: germline.
Comment: The p.I264V variant (also known as c.790A>G), located in coding exon 8 of the RTEL1 gene, results from an A to G substitution at nucleotide position 790. The isoleucine at codon 264 is replaced by valine, an amino acid with highly similar properties. This amino acid position is conserved. In addition, this alteration is predicted to be tolerated by in silico analysis. Based on the available evidence, the clinical significance of this variant remains unclear.

Blueprint Genetics
Classification: Uncertain significance. Last evaluated: 2024-11-25. Review status: criteria provided, single submitter. Criteria: ACMG Guidelines, 2015. Collection method: clinical testing. Allele origin: germline.

Fulgent Genetics
Classification: Uncertain significance for Dyskeratosis congenita, autosomal recessive 5; Pulmonary fibrosis and/or bone marrow failure, Telomere-related, 3. Last evaluated: 2024-06-05. Review status: criteria provided, single submitter. Criteria: ACMG Guidelines, 2015. Collection method: clinical testing. Allele origin: germline.

GeneDx
Classification: Uncertain significance. Last evaluated: 2023-11-05. Review status: criteria provided, single submitter. Criteria: GeneDx Variant Classification Process June 2021. Collection method: clinical testing. Allele origin: germline. Affected: yes.
Comment: In silico analysis supports that this missense variant does not alter protein structure/function; Has not been previously published as pathogenic or benign to our knowledge; This variant is associated with the following publications: (PMID: 26740555, 28719003)

Pittsburgh Clinical Genomics Laboratory, University of Pittsburgh Medical Center
Classification: Uncertain significance for Pulmonary fibrosis and/or bone marrow failure, Telomere-related, 3. Last evaluated: 2023-09-08. Review status: criteria provided, single submitter. Criteria: ACMG Guidelines, 2015. Collection method: clinical testing. Allele origin: germline. Inheritance: Autosomal dominant inheritance. Affected: yes.
Comment: This sequence variant is a single nucleotide substitution (A>G) at position 718 of the coding sequence of the RTEL1 gene that results in an isoleucine to valine amino acid change at residue 240 of the regulator of telomere elongation helicase 1 protein. Residue 240 falls in the first helicase domain (PMID: 26022962) which plays a critical role telomere maintence. This is a previously reported variant (ClinVar 967672) that has not been observed in individuals affected by a RTEL1-related disorder in the published literature, to our knowledge. This variant is present in 30 of 238732 alleles (0.0126%) in the gnomAD population dataset. Multiple bioinformatic tools predict that this isoleucine to valine amino acid change would be neutral, and the isoleucine residue at this position is highly conserved across the vertebrate species examined. Studies examining the functiol consequence of this variant have not been published, to our knowledge. Based upon the evidence, we consider this a variant of uncertain significance. ACMG Criteria: BP4

Sema4
Classification: Uncertain significance for Dyskeratosis congenita. Last evaluated: 2022-02-23. Review status: criteria provided, single submitter. Criteria: Sema4 Curation Guidelines. Collection method: curation. Allele origin: germline.
Comment: The RTEL1 c.718A>G (p.I240V) variant has not been reported in the literature to our knowledge. It was observed in 24/104626 chromosomes of the European (non-Finnish) subpopulation, with no homozygotes, in the large and broad cohorts of the Genome Aggregation Database (PMID: 32461654). This variant has been reported in ClinVar (Variation ID 967672). Functional studies have not been performed, and in silico predictions of the variant's effect on protein function are inconclusive. The evidence is insufficient to meet ACMG/AMP criteria for classifying the variant as benign or pathogenic. Thus, the clinical significance of this variant is currently uncertain.

Natera, Inc.
Classification: Uncertain significance for Dyskeratosis congenita. Last evaluated: 2021-01-21. Review status: no assertion criteria provided. Collection method: clinical testing. Allele origin: germline. Not counted in ClinVar's aggregate classification.

Literature cited by the submitters: PubMed 26022962 (cited by Mayo Clinic Laboratories, Mayo Clinic and Pittsburgh Clinical Genomics Laboratory, University of Pittsburgh Medical Center).